The following is an entry in ClinVar:

ClinVar aggregate classification (germline): Uncertain significance. Review status: criteria provided, multiple submitters, no conflicts (2 of 4 stars). 2 submissions from 2 submitters: Uncertain significance (2). Last evaluated 2025-12-17.

Conditions:
Inborn genetic diseases. Identifiers: MedGen C0950123, MeSH D030342.

gnomAD v4.1: 14 of 1,613,994 alleles (0.00087%); highest among the groups gnomAD compares: Non-Finnish European, 0.0011%; no homozygotes.

Submissions (2):

Labcorp Genetics (formerly Invitae), Labcorp
Classification: Uncertain significance. Last evaluated: 2025-12-17. Review status: criteria provided, single submitter. Criteria: Invitae Variant Classification Sherloc (09022015). Collection method: clinical testing. Allele origin: germline.
Comment: This sequence change replaces proline, which is neutral and non-polar, with glutamine, which is neutral and polar, at codon 574 of the MECOM protein (p.Pro574Gln). This variant is present in population databases (rs368338047, gnomAD 0.01%). This variant has not been reported in the literature in individuals affected with MECOM-related conditions. ClinVar contains an entry for this variant (Variation ID: 3871582). An algorithm developed to predict the effect of missense changes on protein structure and function (PolyPhen-2) suggests that this variant is likely to be tolerated. In summary, the available evidence is currently insufficient to determine the role of this variant in disease. Therefore, it has been classified as a Variant of Uncertain Significance.

Ambry Genetics
Classification: Uncertain significance for Inborn genetic diseases. Last evaluated: 2025-11-12. Review status: criteria provided, single submitter. Criteria: Ambry Variant Classification Scheme 2023. Collection method: clinical testing. Allele origin: germline.

NM_004991.4(MECOM):c.2285C>A (p.Pro762Gln)

Gene: MECOM (MDS1 and EVI1 complex locus; minus strand). Cytogenetic location: 3q26.2.
Variant type: single nucleotide variant.
Coding change: c.2285C>A on transcript NM_004991.4 (MANE Select); coding-DNA position 2285, C replaced by A.
Protein change: p.Pro762Gln; replaces proline 762 with glutamine.
Molecular consequence: missense variant.
Genome position (GRCh38, 1-based): chr3:169,115,587, G>T on the plus strand (C>A on the coding strand, the complement: MECOM is on the minus strand). VCF-style: chr3-169115587-G-T. GRCh37 (hg19) VCF-style: chr3-168833375-G-T.
Other names: c.1916C>A, p.Pro639Gln (NM_001105077.4); c.1721C>A, p.Pro574Gln (NM_001105078.4, NM_001164000.2, NM_001205194.2 and 4 more transcripts); c.1724C>A, p.Pro575Gln (NM_001163999.2, NM_001366467.2, NM_001366468.2 and 1 more transcripts); c.2285C>A, p.Pro762Gln (NM_001366466.2); c.1313C>A, p.Pro438Gln (NM_001366473.2); c.749C>A, p.Pro250Gln (NM_001366474.2); short protein forms P574Q, P762Q, P639Q, P438Q, P250Q, P575Q.
Identifiers: ClinVar variation 3871582 (VCV003871582.3).